The following is an entry in ClinVar:

NM_181882.3(PRX):c.3418G>A (p.Asp1140Asn)

Gene: PRX (periaxin; minus strand). Cytogenetic location: 19q13.2.
Variant type: single nucleotide variant.
Coding change: c.3418G>A on transcript NM_181882.3 (MANE Select); coding-DNA position 3418, G replaced by A.
Protein change: p.Asp1140Asn; replaces aspartic acid 1140 with asparagine.
Molecular consequence: missense variant. On other transcripts: 3 prime UTR variant (1).
Genome position (GRCh38, 1-based): chr19:40,394,934, C>T on the plus strand (G>A on the coding strand, the complement: PRX is on the minus strand). VCF-style: chr19-40394934-C-T. GRCh37 (hg19) VCF-style: chr19-40900841-C-T.
Other names: c.*3623G>A (NM_020956.2); short protein forms D1140N.
Identifiers: ClinVar variation 649436 (VCV000649436.8), dbSNP rs1599651064, ClinGen allele CA405893804.
Genomic context (GRCh38, chr19:40,394,934, plus strand): 5'-AGCCGGTCAGCTCCACCTGTGGCAGGGAGATGCCCAGCGGAGGCATCCTCAGCCCCGCGT[C>T]ATGGCCCTCAGTGACCACCTGCCCGGCTGTGGACACCTTCAGGCCTGACAGCTGCATTCC-3'
Protein context (NP_870998.2, residues 1130-1150): TAGQVVTEGH[Asp1140Asn]AGLRMPPLGI

ClinVar aggregate classification (germline): Uncertain significance (1 of 4 stars; one submission).

Conditions:
Charcot-Marie-Tooth disease type 4. Also called: Charcot-Marie-Tooth disease, type IV; Charcot-Marie-Tooth, Type 4. Identifiers: Orphanet 64749, MedGen C4082197, MONDO:0018995.

Submission:

Labcorp Genetics (formerly Invitae), Labcorp
Classification: Uncertain significance for Charcot-Marie-Tooth disease type 4. Last evaluated: 2018-11-11. Review status: criteria provided, single submitter. Criteria: Invitae Variant Classification Sherloc (09022015). Collection method: clinical testing. Allele origin: germline.
Comment: This sequence change replaces aspartic acid with asparagine at codon 1140 of the PRX protein (p.Asp1140Asn). The aspartic acid residue is weakly conserved and there is a small physicochemical difference between aspartic acid and asparagine. This variant is not present in population databases (ExAC no frequency). This variant has not been reported in the literature in individuals with PRX-related disease. Algorithms developed to predict the effect of missense changes on protein structure and function (SIFT, PolyPhen-2, Align-GVGD) all suggest that this variant is likely to be tolerated, but these predictions have not been confirmed by published functional studies and their clinical significance is uncertain. In summary, the available evidence is currently insufficient to determine the role of this variant in disease. Therefore, it has been classified as a Variant of Uncertain Significance.